The following is an entry in ClinVar:

NM_001195263.2(PDZD7):c.806T>G (p.Ile269Ser)

Gene: PDZD7 (PDZ domain containing 7; minus strand). Cytogenetic location: 10q24.31.
Variant type: single nucleotide variant.
Coding change: c.806T>G on transcript NM_001195263.2 (MANE Select); coding-DNA position 806, T replaced by G.
Protein change: p.Ile269Ser; replaces isoleucine 269 with serine.
Molecular consequence: missense variant.
Genome position (GRCh38, 1-based): chr10:101,021,859, A>C on the plus strand (T>G on the coding strand, the complement: PDZD7 is on the minus strand). VCF-style: chr10-101021859-A-C. GRCh37 (hg19) VCF-style: chr10-102781616-A-C.
Other names: c.806T>G, p.Ile269Ser (NM_001351044.2, NM_024895.5); short protein forms I269S.
Identifiers: ClinVar variation 1806058 (VCV001806058.2), dbSNP rs776311548, ClinGen allele CA5654247.

ClinVar aggregate classification (germline): Uncertain significance. Review status: criteria provided, multiple submitters, no conflicts (2 of 4 stars). 2 submissions from 2 submitters: Uncertain significance (2). Last evaluated 2024-05-29.

Conditions:
Hearing loss, autosomal recessive 57. Also called: DEAFNESS, AUTOSOMAL RECESSIVE 57. Identifiers: MedGen C4693893, MONDO:0033201, OMIM 618003.

Allele frequency attached by ClinVar (database versions not stated): gnomAD 0.00001; ExAC 0.00005.
gnomAD v4.1: 44 of 1,613,920 alleles (0.0027%); highest among the groups gnomAD compares: South Asian, 0.048%; no homozygotes.

Submissions (2):

Blueprint Genetics
Classification: Uncertain significance. Last evaluated: 2024-05-29. Review status: criteria provided, single submitter. Criteria: ACMG Guidelines, 2015. Collection method: clinical testing. Allele origin: germline.

Victorian Clinical Genetics Services, Murdoch Childrens Research Institute
Classification: Uncertain significance for Hearing loss, autosomal recessive 57. Last evaluated: 2022-02-02. Review status: criteria provided, single submitter. Criteria: ACMG Guidelines, 2015. Collection method: clinical testing. Allele origin: germline. Inheritance: Autosomal recessive inheritance.
Comment: Based on the classification scheme VCGS_Germline_v1.3.4, this variant is classified as VUS-3A. Following criteria are met: 0102 - Loss of function is a known mechanism of disease in this gene relating to null variants and is associated with deafness 57 (MIM#618003) and Usher syndrome, type IIC (MIM#605472). The mechanism associated with missense variants is currently unclear. (I) 0106 - This gene is known to be associated with autosomal recessive disease. (I) 0200 - Variant is predicted to result in a missense amino acid change from isoleucine to serine. (I) 0251 - Variant is heterozygous. (I) 0304 - Variant is present in gnomAD (v2) <0.01 for a recessive condition (15 heterozygotes, 0 homozygotes). (SP) 0501 - Missense variant consistently predicted to be damaging by multiple in silico tools or highly conserved with a major amino acid change. (SP) 0600 - Variant is located in the annotated PDZ 2 domain (UniProt). (I) 0705 - No comparable missense variants have previous evidence for pathogenicity. (I) 0809 - Previous evidence of pathogenicity for this variant is inconclusive. This variant has been classified once as a VUS in the Deafness Variation Database. (I) 0905 - No published segregation evidence has been identified for this variant. (I) 1007 - No published functional evidence has been identified for this variant. (I) 1201 - Heterozygous variant detected in trans with a second pathogenic heterozygous variant (NM_001195263.1(PDZD7):c.668del; p.(Gly223Alafs*56)) in a recessive disease. (I) Legend: (SP) - Supporting pathogenic, (I) - Information, (SB) - Supporting benign